The following is an entry in ClinVar:

ClinVar aggregate classification (germline): Uncertain significance. Review status: criteria provided, multiple submitters, no conflicts (2 of 4 stars). 5 submissions from 5 submitters: Uncertain significance (4). 1 of the submissions does not count toward it. Last evaluated 2022-06-30.

Conditions:
Lethal Kniest-like syndrome (DDSH). Also called: Dyssegmental Dysplasia. Identifiers: Orphanet 1865, MedGen C1857100, MONDO:0009140, OMIM 224410.
Schwartz-Jampel syndrome type 1 (SJS1). Also called: MYOTONIC MYOPATHY, DWARFISM, CHONDRODYSTROPHY, AND OCULAR AND FACIAL ABNORMALITIES; CHONDRODYSTROPHIC MYOTONIA. Identifiers: MedGen C4551479, MONDO:0100435, OMIM 255800.
HSPG2-related disorder. Also called: HSPG2-related disorders; HSPG2-related condition.

Allele frequency attached by ClinVar (database versions not stated): gnomAD 0.00010 and 0.00012; 1000 Genomes Project 0.00040; TOPMed 0.00010; 1000 Genomes Project 30x 0.00078; ExAC 0.00032; gnomAD exomes 0.00007 and 0.00020.
gnomAD v4.1: 129 of 1,592,314 alleles (0.0081%); highest among the groups gnomAD compares: Admixed American, 0.037%; no homozygotes.

Submissions (5):

Athena Diagnostics
Classification: Uncertain significance. Last evaluated: 2022-06-30. Review status: criteria provided, single submitter. Criteria: Athena Diagnostics Criteria. Collection method: clinical testing. Allele origin: unknown.

Fulgent Genetics
Classification: Uncertain significance for Lethal Kniest-like syndrome; Schwartz-Jampel syndrome type 1. Last evaluated: 2022-05-23. Review status: criteria provided, single submitter. Criteria: ACMG Guidelines, 2015. Collection method: clinical testing. Allele origin: unknown.

Labcorp Genetics (formerly Invitae), Labcorp
Classification: Uncertain significance. Last evaluated: 2022-01-23. Review status: criteria provided, single submitter. Criteria: Invitae Variant Classification Sherloc (09022015). Collection method: clinical testing. Allele origin: germline.
Comment: This sequence change replaces arginine, which is basic and polar, with histidine, which is basic and polar, at codon 615 of the HSPG2 protein (p.Arg615His). This variant is present in population databases (rs189089389, gnomAD 0.2%). This variant has not been reported in the literature in individuals affected with HSPG2-related conditions. ClinVar contains an entry for this variant (Variation ID: 995380). Algorithms developed to predict the effect of missense changes on protein structure and function output the following: SIFT: "Tolerated"; PolyPhen-2: "Benign"; Align-GVGD: "Class C0". The histidine amino acid residue is found in multiple mammalian species, which suggests that this missense change does not adversely affect protein function. In summary, the available evidence is currently insufficient to determine the role of this variant in disease. Therefore, it has been classified as a Variant of Uncertain Significance.

Revvity Omics, Revvity
Classification: Uncertain significance. Last evaluated: 2019-05-03. Review status: criteria provided, single submitter. Criteria: ACMG Guidelines, 2015. Collection method: clinical testing. Allele origin: germline.

PreventionGenetics, part of Exact Sciences
Classification: Likely benign for HSPG2-related condition. Last evaluated: 2023-05-18. Review status: no assertion criteria provided. Collection method: clinical testing. Allele origin: germline. Not counted in ClinVar's aggregate classification.
Comment: This variant is classified as likely benign based on ACMG/AMP sequence variant interpretation guidelines (Richards et al. 2015 PMID: 25741868, with internal and published modifications).

NM_005529.7(HSPG2):c.1844G>A (p.Arg615His)

Gene: HSPG2 (heparan sulfate proteoglycan 2; minus strand). Cytogenetic location: 1p36.12.
Variant type: single nucleotide variant.
Coding change: c.1844G>A on transcript NM_005529.7 (MANE Select); coding-DNA position 1844, G replaced by A.
Protein change: p.Arg615His; replaces arginine 615 with histidine.
Molecular consequence: missense variant.
Genome position (GRCh38, 1-based): chr1:21,880,810, C>T on the plus strand (G>A on the coding strand, the complement: HSPG2 is on the minus strand). VCF-style: chr1-21880810-C-T. GRCh37 (hg19) VCF-style: chr1-22207303-C-T.
Other names: c.1847G>A, p.Arg616His (NM_001291860.2); short protein forms R615H, R616H.
Identifiers: ClinVar variation 995380 (VCV000995380.11), dbSNP rs189089389, ClinGen allele CA673263.